The following is an entry in ClinVar:

NM_005120.3(MED12):c.605C>G (p.Ala202Gly)

Gene: MED12 (mediator complex subunit 12; plus strand). Cytogenetic location: Xq13.1.
Variant type: single nucleotide variant.
Coding change: c.605C>G on transcript NM_005120.3 (MANE Select); coding-DNA position 605, C replaced by G.
Protein change: p.Ala202Gly; replaces alanine 202 with glycine.
Molecular consequence: missense variant.
Genome position (GRCh38, 1-based): chrX:71,121,022, C>G. VCF-style: chrX-71121022-C-G. GRCh37 (hg19) VCF-style: chrX-70340872-C-G.
Other names: short protein forms A202G.
Identifiers: ClinVar variation 1751316 (VCV001751316.7), dbSNP rs1307031136, ClinGen allele CA413500600.

ClinVar aggregate classification (germline): Conflicting classifications of pathogenicity. Review status: criteria provided, conflicting classifications (1 of 4 stars). 2 submissions from 2 submitters: Uncertain significance (1); Likely benign (1). Last evaluated 2022-12-06.

Conditions:
FG syndrome (FGS). Identifiers: MedGen C0220769, MONDO:0002010.
Familial thoracic aortic aneurysm and aortic dissection (TAAD). Also called: Thoracic aortic aneurysms and dissections. Identifiers: Orphanet 91387, MedGen C4707243, MONDO:0019625.

gnomAD v4.1: 10 of 1,211,768 alleles (0.00083%); highest among the groups gnomAD compares: East Asian, 0.003%; no homozygotes.

Submissions (2):

Labcorp Genetics (formerly Invitae), Labcorp
Classification: Likely benign for FG syndrome. Last evaluated: 2022-12-06. Review status: criteria provided, single submitter. Criteria: Invitae Variant Classification Sherloc (09022015). Collection method: clinical testing. Allele origin: germline.

Ambry Genetics
Classification: Uncertain significance for Familial thoracic aortic aneurysm and aortic dissection. Last evaluated: 2022-07-10. Review status: criteria provided, single submitter. Criteria: Ambry Variant Classification Scheme 2023. Collection method: clinical testing. Allele origin: germline.
Comment: The p.A202G variant (also known as c.605C>G), located in coding exon 5 of the MED12 gene, results from a C to G substitution at nucleotide position 605. The alanine at codon 202 is replaced by glycine, an amino acid with similar properties. This amino acid position is conserved. In addition, this alteration is predicted to be tolerated by in silico analysis. Since supporting evidence is limited at this time, the clinical significance of this alteration remains unclear.